The following is an entry in ClinVar:

ClinVar aggregate classification (germline): Uncertain significance. Review status: criteria provided, multiple submitters, no conflicts (2 of 4 stars). 5 submissions from 5 submitters: Uncertain significance (5). Last evaluated 2025-06-01.

Conditions:
Cardiovascular phenotype. Identifiers: MedGen CN230736.
Dilated cardiomyopathy 1G (CMD1G). Identifiers: Orphanet 154, MedGen C1858763, MONDO:0011400, OMIM 604145.
Autosomal recessive limb-girdle muscular dystrophy type 2J (LGMDR10). Also called: Limb-girdle muscular dystrophy, type 2J; MUSCULAR DYSTROPHY, LIMB-GIRDLE, AUTOSOMAL RECESSIVE 10. Identifiers: Orphanet 140922, MedGen C1837342, MONDO:0012127, OMIM 608807.
Myopathy, myofibrillar, 9, with early respiratory failure (MFM9). Also called: Hereditary myopathy with early respiratory failure; EDSTROM MYOPATHY; MYOPATHY, PROXIMAL, WITH EARLY RESPIRATORY MUSCLE INVOLVEMENT; Myopathy, distal, with early respiratory failure, autosomal dominant. Identifiers: Orphanet 178464, Orphanet 34521, MedGen C1863599, MONDO:0011362, OMIM 603689.
Early-onset myopathy with fatal cardiomyopathy (CMYO5). Also called: CONGENITAL MYOPATHY 5 WITH CARDIOMYOPATHY; Salih Myopathy. Identifiers: Orphanet 289377, MedGen C2673677, MONDO:0012714, OMIM 611705. Disease mechanism: loss of function.
Tibial muscular dystrophy (TMD). Also called: UDD MYOPATHY; Udd Distal Myopathy – Tibial Muscular Dystrophy; Tibial muscular dystrophy, tardive. Identifiers: Orphanet 609, MedGen C1838244, MONDO:0010870, OMIM 600334.
Hypertrophic cardiomyopathy 9. Also called: Familial hypertrophic cardiomyopathy 9. Identifiers: MedGen C1861065, MONDO:0013412, OMIM 613765.

Allele frequency attached by ClinVar (database versions not stated): gnomAD exomes below 0.00001.
gnomAD v4.1: 2 of 1,560,518 alleles (0.00013%); highest among the groups gnomAD compares: Non-Finnish European, 0.00017%; no homozygotes.

Submissions (5):

CeGaT Center for Human Genetics Tuebingen
Classification: Uncertain significance. Last evaluated: 2025-06-01. Review status: criteria provided, single submitter. Criteria: CeGaT Center For Human Genetics Tuebingen Variant Classification Criteria Version 2. Collection method: clinical testing. Allele origin: germline. Affected: yes. Observed: 1 variant allele.
Comment: TTN: PM2:Supporting

Women's Health and Genetics/Laboratory Corporation of America, LabCorp
Classification: Uncertain significance. Last evaluated: 2025-03-14. Review status: criteria provided, single submitter. Criteria: LabCorp Variant Classification Summary - May 2015. Collection method: clinical testing. Allele origin: germline.
Comment: Variant summary: TTN c.92540C>T (p.Pro30847Leu) results in a non-conservative amino acid change located in the A-band domain of the encoded protein sequence. Three of four in-silico tools predict a damaging effect of the variant on protein function. The frequency data for this variant in gnomAD is considered unreliable, as metrics indicate poor data quality at this position. c.92540C>T has been reported in the literature in individuals affected with Arrhythmogenic right ventricular cardiomyopathy (Taylor_2011, Ye_2019). These reports do not provide unequivocal conclusions about association of the variant with Autosomal Recessive Titinopathy. To our knowledge, no experimental evidence demonstrating an impact on protein function has been reported. The following publications have been ascertained in the context of this evaluation (PMID: 25157032, 21810661, 31402444). ClinVar contains an entry for this variant (Variation ID: 569626). Based on the evidence outlined above, the variant was classified as uncertain significance.

Labcorp Genetics (formerly Invitae), Labcorp
Classification: Uncertain significance for Dilated cardiomyopathy 1G; Autosomal recessive limb-girdle muscular dystrophy type 2J. Last evaluated: 2024-10-30. Review status: criteria provided, single submitter. Criteria: Invitae Variant Classification Sherloc (09022015). Collection method: clinical testing. Allele origin: germline.
Comment: This sequence change replaces proline, which is neutral and non-polar, with leucine, which is neutral and non-polar, at codon 33415 of the TTN protein (p.Pro33415Leu). This variant is not present in population databases (gnomAD no frequency). This missense change has been observed in individual(s) with arrhythmogenic right ventricular cardiomyopathy (ARVC) (PMID: 21810661). ClinVar contains an entry for this variant (Variation ID: 569626). Experimental studies and prediction algorithms are not available or were not evaluated, and the functional significance of this variant is currently unknown. This variant is located in the A band of TTN (PMID: 25589632). Variants in this region may be relevant for cardiac or neuromuscular disorders (PMID: 25589632, 23975875). In summary, the available evidence is currently insufficient to determine the role of this variant in disease. Therefore, it has been classified as a Variant of Uncertain Significance.

Fulgent Genetics
Classification: Uncertain significance for Tibial muscular dystrophy; Myopathy, myofibrillar, 9, with early respiratory failure; Dilated cardiomyopathy 1G; Autosomal recessive limb-girdle muscular dystrophy type 2J; Early-onset myopathy with fatal cardiomyopathy; Hypertrophic cardiomyopathy 9. Last evaluated: 2021-09-04. Review status: criteria provided, single submitter. Criteria: ACMG Guidelines, 2015. Collection method: clinical testing. Allele origin: unknown.

Ambry Genetics
Classification: Uncertain significance for Cardiovascular phenotype. Last evaluated: 2020-03-23. Review status: criteria provided, single submitter. Criteria: Ambry Variant Classification Scheme 2023. Collection method: clinical testing. Allele origin: germline.
Comment: The p.P24350L variant (also known as c.73049C>T), located in coding exon 184 of the TTN gene, results from a C to T substitution at nucleotide position 73049. The proline at codon 24350 is replaced by leucine, an amino acid with similar properties. This amino acid position is highly conserved in available vertebrate species. In addition, the in silico prediction for this alteration is inconclusive. This alteration has been identified in one patient with arrhythmogenic right ventricular cardiomyopathy (Taylor M et al. Circulation, 2011 Aug;124:876-85). Since supporting evidence is limited at this time, the clinical significance of this alteration remains unclear.

Literature cited by the submitters: PubMed 31402444 (cited by Women's Health and Genetics/Laboratory Corporation of America, LabCorp); PubMed 21810661 (cited by 3 submitters); PubMed 25157032 (cited by Women's Health and Genetics/Laboratory Corporation of America, LabCorp); PubMed 25589632 (cited by Labcorp Genetics (formerly Invitae), Labcorp); PubMed 23975875 (cited by Labcorp Genetics (formerly Invitae), Labcorp).

NM_001267550.2(TTN):c.100244C>T (p.Pro33415Leu)

Genes: TTN (titin; minus strand), TTN-AS1 (TTN antisense RNA 1; plus strand), LOC126806420 (BRD4-independent group 4 enhancer GRCh37_chr2:179401104-179402303; plus strand). Cytogenetic location: 2q31.2.
Variant type: single nucleotide variant.
Coding change: c.100244C>T on transcript NM_001267550.2 (MANE Select); coding-DNA position 100244, C replaced by T.
Protein change: p.Pro33415Leu; replaces proline 33415 with leucine.
Molecular consequence: missense variant.
Genome position (GRCh38, 1-based): chr2:178,536,503, G>A on the plus strand (C>T on the coding strand, the complement: TTN is on the minus strand). VCF-style: chr2-178536503-G-A. GRCh37 (hg19) VCF-style: chr2-179401230-G-A.
Other names: c.95321C>T, p.Pro31774Leu (NM_001256850.1); c.73049C>T, p.Pro24350Leu (NM_003319.4); c.92540C>T, p.Pro30847Leu (NM_133378.4); c.73424C>T, p.Pro24475Leu (NM_133432.3); c.73625C>T, p.Pro24542Leu (NM_133437.4); short protein forms P33415L, P24542L, P30847L, P24350L, P24475L, P31774L.
Identifiers: ClinVar variation 569626 (VCV000569626.29), dbSNP rs72648282, ClinGen allele CA60960923.